The following is an entry in ClinVar:

NM_020911.2(PLXNA4):c.1608C>T (p.Cys536=)

Gene: PLXNA4 (plexin A4; minus strand). Cytogenetic location: 7q32.3.
Variant type: single nucleotide variant.
Coding change: c.1608C>T on transcript NM_020911.2 (MANE Select); coding-DNA position 1608, C replaced by T.
Protein change: p.Cys536=; no amino-acid change (cysteine 536 retained).
Molecular consequence: synonymous variant.
Genome position (GRCh38, 1-based): chr7:132,228,466, G>A on the plus strand (C>T on the coding strand, the complement: PLXNA4 is on the minus strand). VCF-style: chr7-132228466-G-A. GRCh37 (hg19) VCF-style: chr7-131913225-G-A.
Other names: c.1608C>T, p.Cys536= (NM_001393897.1).
Identifiers: ClinVar variation 3036024 (VCV003036024.2), dbSNP rs749695018, ClinGen allele CA4490071.

ClinVar aggregate classification (germline): Likely benign (0 of 4 stars; one submission).

Conditions:
PLXNA4-related disorder. Also called: PLXNA4-related condition.

Allele frequency attached by ClinVar (database versions not stated): gnomAD exomes 0.00002; gnomAD 0.00003; TOPMed 0.00005; ExAC 0.00013.
gnomAD v4.1: 40 of 1,613,992 alleles (0.0025%); highest among the groups gnomAD compares: Admixed American, 0.062%; no homozygotes.

Submission:

PreventionGenetics, part of Exact Sciences
Classification: Likely benign for PLXNA4-related condition. Last evaluated: 2022-01-28. Review status: no assertion criteria provided. Collection method: clinical testing. Allele origin: germline.
Comment: This variant is classified as likely benign based on ACMG/AMP sequence variant interpretation guidelines (Richards et al. 2015 PMID: 25741868, with internal and published modifications).